The following is an entry in ClinVar:

ClinVar aggregate classification (germline): Likely benign. Review status: criteria provided, multiple submitters, no conflicts (2 of 4 stars). 2 submissions from 2 submitters: Likely benign (2). Last evaluated 2026-02-01.

Allele frequency attached by ClinVar (database versions not stated): 1000 Genomes Project 30x 0.00031; ESP Exome Variant Server 0.00079; ExAC 0.00094.
gnomAD v4.1: 2,756 of 1,608,466 alleles (0.17%); highest among the groups gnomAD compares: Non-Finnish European, 0.22%; 7 homozygotes.

Submissions (2):

CeGaT Center for Human Genetics Tuebingen
Classification: Likely benign. Last evaluated: 2026-02-01. Review status: criteria provided, single submitter. Criteria: CeGaT Center For Human Genetics Tuebingen Variant Classification Criteria Version 2. Collection method: clinical testing. Allele origin: germline. Affected: yes. Observed: 6 variant alleles.
Comment: BICRA: BP4, BP7

Blueprint Genetics
Classification: Likely benign. Last evaluated: 2024-11-20. Review status: criteria provided, single submitter. Criteria: ACMG Guidelines, 2015. Collection method: clinical testing. Allele origin: germline.

NM_001394372.1(BICRA):c.1632C>T (p.Ala544=)

Gene: BICRA (BRD4 interacting chromatin remodeling complex associated protein; plus strand). Cytogenetic location: 19q13.33.
Variant type: single nucleotide variant.
Coding change: c.1632C>T on transcript NM_001394372.1 (MANE Select); coding-DNA position 1632, C replaced by T.
Protein change: p.Ala544=; no amino-acid change (alanine 544 retained).
Molecular consequence: synonymous variant.
Genome position (GRCh38, 1-based): chr19:47,680,802, C>T. VCF-style: chr19-47680802-C-T. GRCh37 (hg19) VCF-style: chr19-48184059-C-T.
Other names: c.1632C>T, p.Ala544= (NM_015711.3).
Identifiers: ClinVar variation 2672776 (VCV002672776.24), dbSNP rs376362178, ClinGen allele CA9541773.